The following is an entry in ClinVar:

NM_018699.4(PRDM5):c.884T>C (p.Leu295Pro)

Gene: PRDM5 (PR/SET domain 5; minus strand). Cytogenetic location: 4q27.
Variant type: single nucleotide variant.
Coding change: c.884T>C on transcript NM_018699.4 (MANE Select); coding-DNA position 884, T replaced by C.
Protein change: p.Leu295Pro; replaces leucine 295 with proline.
Molecular consequence: missense variant.
Genome position (GRCh38, 1-based): chr4:120,811,431, A>G on the plus strand (T>C on the coding strand, the complement: PRDM5 is on the minus strand). VCF-style: chr4-120811431-A-G. GRCh37 (hg19) VCF-style: chr4-121732586-A-G.
Other names: c.791T>C, p.Leu264Pro (NM_001300823.2, NM_001300824.2, NM_001379106.1); c.884T>C, p.Leu295Pro (NM_001379104.1); short protein forms L264P, L295P.
Identifiers: ClinVar variation 2565112 (VCV002565112.2), dbSNP rs1753820897, ClinGen allele CA358207312.

ClinVar aggregate classification (germline): Uncertain significance (1 of 4 stars; one submission).

Conditions:
Cardiovascular phenotype. Identifiers: MedGen CN230736.

Submission:

Ambry Genetics
Classification: Uncertain significance for Cardiovascular phenotype. Last evaluated: 2023-03-23. Review status: criteria provided, single submitter. Criteria: Ambry Variant Classification Scheme 2023. Collection method: clinical testing. Allele origin: germline.
Comment: The p.L295P variant (also known as c.884T>C), located in coding exon 8 of the PRDM5 gene, results from a T to C substitution at nucleotide position 884. The leucine at codon 295 is replaced by proline, an amino acid with similar properties. This amino acid position is conserved. In addition, the in silico prediction for this alteration is inconclusive. Since supporting evidence is limited at this time, the clinical significance of this alteration remains unclear.